The following is an entry in ClinVar:

ClinVar aggregate classification (germline): Pathogenic. Review status: reviewed by expert panel (3 of 4 stars). 7 submissions from 7 submitters: Pathogenic (1). 6 of the submissions do not count toward it. Last evaluated 2020-06-26.

Conditions:
Phenylketonuria (PKU). Also called: Phenylketonuria (PKU); FOLLING DISEASE; OLIGOPHRENIA PHENYLPYRUVICA; Phenylketonurias. Identifiers: Orphanet 716, MedGen C0031485, MONDO:0009861, OMIM 261600. Disease mechanism: loss of function.

Allele frequency attached by ClinVar (database versions not stated): ExAC 0.00001; gnomAD exomes 0.00004 and below 0.00001.
gnomAD v4.1: 57 of 1,614,128 alleles (0.0035%); highest among the groups gnomAD compares: Non-Finnish European, 0.0047%; no homozygotes.

Submissions (7):

ClinGen PAH Variant Curation Expert Panel
Classification: Pathogenic for Phenylketonuria. Last evaluated: 2020-06-26. Review status: reviewed by expert panel. Criteria: ClinGen PAH ACMG Specifications v1. Collection method: curation. Allele origin: germline. Inheritance: Autosomal recessive inheritance.
Comment: The c.733G>C (p.Val245Leu) variant in PAH has been reported in 3 individuals with PAH deficiency, detected with pathogenic variants p.R408Q and p.A104D (PMID: 8659548, 24368688). This variant has an extremely low allele frequency (0.000008972) in gnomAD. This variant has 13% enzyme activity (PMID: 11161839). Computational prediction tools and conservation analysis support a deleterious effect. In summary, this variant meets criteria to be classified as pathogenic for PAH. PAH-specific ACMG/AMP criteria applied: PP4, PS3, PM2, PM3, PP3.

Labcorp Genetics (formerly Invitae), Labcorp
Classification: Pathogenic for Phenylketonuria. Last evaluated: 2026-01-06. Review status: criteria provided, single submitter. Criteria: Invitae Variant Classification Sherloc (09022015). Collection method: clinical testing. Allele origin: germline. Not counted in ClinVar's aggregate classification.
Comment: This sequence change replaces valine, which is neutral and non-polar, with leucine, which is neutral and non-polar, at codon 245 of the PAH protein (p.Val245Leu). This variant is present in population databases (rs62508694, gnomAD 0.0009%). This missense change has been observed in individual(s) with phenylketonuria (PMID: 8659548, 22841515, 24368688, 24667082). ClinVar contains an entry for this variant (Variation ID: 102810). Invitae Evidence Modeling of protein sequence and biophysical properties (such as structural, functional, and spatial information, amino acid conservation, physicochemical variation, residue mobility, and thermodynamic stability) indicates that this missense variant is expected to disrupt PAH protein function with a positive predictive value of 80%. Experimental studies have shown that this missense change affects PAH function (PMID: 11161839, 17924342). This variant disrupts the p.Val245 amino acid residue in PAH. Other variant(s) that disrupt this residue have been determined to be pathogenic (PMID: 8088845, 24296287, 25596310, 26803807). This suggests that this residue is clinically significant, and that variants that disrupt this residue are likely to be disease-causing. For these reasons, this variant has been classified as Pathogenic.

GeneDx
Classification: Pathogenic. Last evaluated: 2022-05-13. Review status: criteria provided, single submitter. Criteria: GeneDx Variant Classification Process June 2021. Collection method: clinical testing. Allele origin: germline. Affected: yes. Not counted in ClinVar's aggregate classification.
Comment: Functional analysis found that V245L is associated with 7-15% enzyme activity compared to wild-type and is associated with a classic PKU phenotype (Gjetting et al., 2001; Pey et al., 2007).; In silico analysis, which includes protein predictors and evolutionary conservation, supports a deleterious effect; Not observed at a significant frequency in large population cohorts (gnomAD); This variant is associated with the following publications: (PMID: 9012412, 8659548, 25596310, 11161839, 24368688, 22841515, 17924342, 24667082, 24296287, 8088845, 35339094, 26803807)

Women's Health and Genetics/Laboratory Corporation of America, LabCorp
Classification: Pathogenic for Phenylketonuria. Last evaluated: 2022-02-03. Review status: criteria provided, single submitter. Criteria: LabCorp Variant Classification Summary - May 2015. Collection method: clinical testing. Allele origin: germline. Not counted in ClinVar's aggregate classification.
Comment: Variant summary: PAH c.733G>C (p.Val245Leu) results in a conservative amino acid change located in the Aromatic amino acid hydroxylase, C-terminal domain of the encoded protein sequence. Four of five in-silico tools predict a damaging effect of the variant on protein function. The variant allele was found at a frequency of 4e-06 in 251200 control chromosomes. c.733G>C has been reported in the literature in multiple individuals affected with Phenylalanine Hydroxylase Deficiency (Phenylketonuria) (example, Guldberg_1996, Quirk_2012, Tyfield_1997, Ho_2014, Grange_2014). These data indicate that the variant is very likely to be associated with disease. At least one publication reports experimental evidence evaluating an impact on protein function. The most pronounced variant effect results in 10%-<30% of normal PAH enzyme activity. Four clinical diagnostic laboratories have submitted clinical-significance assessments for this variant to ClinVar after 2014 without evidence for independent evaluation. All laboratories classified the variant as pathogenic (n=3)/likely pathogenic (n=1). Based on the evidence outlined above, the variant was classified as pathogenic.

Eurofins Ntd Llc (ga)
Classification: Pathogenic. Last evaluated: 2016-07-08. Review status: criteria provided, single submitter. Criteria: EGL Classification Definitions 2015. Collection method: clinical testing. Allele origin: germline. Observed: 3 variant alleles, 3 heterozygotes. Not counted in ClinVar's aggregate classification.

Counsyl
Classification: Likely pathogenic for Phenylketonuria. Last evaluated: 2018-01-19. Review status: no assertion criteria provided. Collection method: clinical testing. Allele origin: unknown. Not counted in ClinVar's aggregate classification.

DeBelle Laboratory for Biochemical Genetics, MUHC/MCH RESEARCH INSTITUTE
No classification provided. Review status: no classification provided. Collection method: not provided. Allele origin: not provided. Not counted in ClinVar's aggregate classification.

Literature cited by the submitters: PubMed 24368688 (cited by 4 submitters); PubMed 8659548 (cited by 4 submitters); PubMed 11161839 (cited by 4 submitters); PubMed 22841515 (cited by 3 submitters); PubMed 24667082 (cited by 3 submitters); PubMed 17924342 (cited by Labcorp Genetics (formerly Invitae), Labcorp and Counsyl); PubMed 8088845 (cited by Labcorp Genetics (formerly Invitae), Labcorp); PubMed 24296287 (cited by Labcorp Genetics (formerly Invitae), Labcorp); PubMed 25596310 (cited by Labcorp Genetics (formerly Invitae), Labcorp); PubMed 26803807 (cited by Labcorp Genetics (formerly Invitae), Labcorp); PubMed 9012412 (cited by Women's Health and Genetics/Laboratory Corporation of America, LabCorp and Counsyl).

NM_000277.3(PAH):c.733G>C (p.Val245Leu)

Gene: PAH (phenylalanine hydroxylase; minus strand). Cytogenetic location: 12q23.2.
Variant type: single nucleotide variant.
Coding change: c.733G>C on transcript NM_000277.3 (MANE Select); coding-DNA position 733, G replaced by C.
Protein change: p.Val245Leu; replaces valine 245 with leucine.
Molecular consequence: missense variant.
Genome position (GRCh38, 1-based): chr12:102,852,924, C>G on the plus strand (G>C on the coding strand, the complement: PAH is on the minus strand). VCF-style: chr12-102852924-C-G. GRCh37 (hg19) VCF-style: chr12-103246702-C-G.
Other names: NM_000277.2(PAH):c.733G>C; c.733G>C, p.Val245Leu (NM_001354304.2); short protein forms V245L.
Identifiers: ClinVar variation 102810 (VCV000102810.23), dbSNP rs62508694, ClinGen allele CA229724.